The following is an entry in ClinVar:

ClinVar aggregate classification (germline): Benign/Likely benign. Review status: criteria provided, multiple submitters, no conflicts (2 of 4 stars). 6 submissions from 6 submitters: Benign (3); Likely benign (2). 1 of the submissions does not count toward it. Last evaluated 2026-09-01.

Conditions:
CARS2-related disorder. Also called: CARS2-related condition.
Combined oxidative phosphorylation defect type 27. Also called: Combined oxidative phosphorylation deficiency 27. Identifiers: Orphanet 477774, MedGen C5567608, MONDO:0014728, OMIM 616672.

Allele frequency attached by ClinVar (database versions not stated): gnomAD exomes 0.00035 and 0.00079; ExAC 0.00151; 1000 Genomes Project 0.00339; gnomAD 0.00353 and 0.00386; 1000 Genomes Project 30x 0.00359; TOPMed 0.00400; ESP Exome Variant Server 0.00446.
gnomAD v4.1: 1,084 of 1,608,110 alleles (0.067%); highest among the groups gnomAD compares: African/African-American, 1.3%; 9 homozygotes.

Submissions (6):

CeGaT Center for Human Genetics Tuebingen
Classification: Likely benign. Last evaluated: 2026-09-01. Review status: criteria provided, single submitter. Criteria: CeGaT Center For Human Genetics Tuebingen Variant Classification Criteria Version 2. Collection method: clinical testing. Allele origin: germline. Affected: yes. Observed: 1 variant allele.
Comment: CARS2: BS1

Labcorp Genetics (formerly Invitae), Labcorp
Classification: Benign for Combined oxidative phosphorylation defect type 27. Last evaluated: 2026-01-28. Review status: criteria provided, single submitter. Criteria: Invitae Variant Classification Sherloc (09022015). Collection method: clinical testing. Allele origin: germline.

Blueprint Genetics
Classification: Likely benign. Last evaluated: 2024-11-06. Review status: criteria provided, single submitter. Criteria: ACMG Guidelines, 2015. Collection method: clinical testing. Allele origin: germline.

Mayo Clinic Laboratories, Mayo Clinic
Classification: Benign. Last evaluated: 2023-11-09. Review status: criteria provided, single submitter. Criteria: ACMG Guidelines, 2015. Collection method: clinical testing. Allele origin: germline. Observed: 2 variant alleles.
Comment: BA1, BP4

GeneDx
Classification: Benign. Last evaluated: 2020-10-29. Review status: criteria provided, single submitter. Criteria: GeneDx Variant Classification Process June 2021. Collection method: clinical testing. Allele origin: germline. Affected: yes.
Comment: This variant is associated with the following publications: (PMID: 21796119)

PreventionGenetics, part of Exact Sciences
Classification: Benign for CARS2-related condition. Last evaluated: 2019-04-10. Review status: no assertion criteria provided. Collection method: clinical testing. Allele origin: germline. Not counted in ClinVar's aggregate classification.
Comment: This variant is classified as benign based on ACMG/AMP sequence variant interpretation guidelines (Richards et al. 2015 PMID: 25741868, with internal and published modifications).

NM_024537.4(CARS2):c.1489G>A (p.Val497Ile)

Gene: CARS2 (cysteinyl-tRNA synthetase 2, mitochondrial; minus strand). Cytogenetic location: 13q34.
Variant type: single nucleotide variant.
Coding change: c.1489G>A on transcript NM_024537.4 (MANE Select); coding-DNA position 1489, G replaced by A.
Protein change: p.Val497Ile; replaces valine 497 with isoleucine.
Molecular consequence: missense variant. On other transcripts: non-coding transcript variant (2).
Genome position (GRCh38, 1-based): chr13:110,642,449, C>T on the plus strand (G>A on the coding strand, the complement: CARS2 is on the minus strand). VCF-style: chr13-110642449-C-T. GRCh37 (hg19) VCF-style: chr13-111294796-C-T.
Other names: p.Val497Ile; c.703G>A, p.Val235Ile (NM_001352252.2); short protein forms V497I, V235I.
Identifiers: ClinVar variation 475619 (VCV000475619.20), dbSNP rs146355429, ClinGen allele CA7051635.